The following is an entry in ClinVar:

ClinVar aggregate classification (germline): Uncertain significance. Review status: criteria provided, multiple submitters, no conflicts (2 of 4 stars). 2 submissions from 2 submitters: Uncertain significance (2). Last evaluated 2025-04-07.

Conditions:
Inborn genetic diseases. Identifiers: MedGen C0950123, MeSH D030342.

Allele frequency attached by ClinVar (database versions not stated): gnomAD 0.00001; ExAC 0.00002; TOPMed 0.00003; gnomAD exomes 0.00003.
gnomAD v4.1: 54 of 1,611,254 alleles (0.0034%); highest among the groups gnomAD compares: Non-Finnish European, 0.0042%; no homozygotes.

Submissions (2):

Ambry Genetics
Classification: Uncertain significance for Inborn genetic diseases. Last evaluated: 2025-04-07. Review status: criteria provided, single submitter. Criteria: Ambry Variant Classification Scheme 2023. Collection method: clinical testing. Allele origin: germline.

Labcorp Genetics (formerly Invitae), Labcorp
Classification: Uncertain significance. Last evaluated: 2024-01-06. Review status: criteria provided, single submitter. Criteria: Invitae Variant Classification Sherloc (09022015). Collection method: clinical testing. Allele origin: germline.
Comment: This sequence change replaces phenylalanine, which is neutral and non-polar, with serine, which is neutral and polar, at codon 1044 of the TBC1D32 protein (p.Phe1044Ser). This variant is present in population databases (rs780229548, gnomAD 0.006%). This variant has not been reported in the literature in individuals affected with TBC1D32-related conditions. ClinVar contains an entry for this variant (Variation ID: 2178169). An algorithm developed to predict the effect of missense changes on protein structure and function (PolyPhen-2) suggests that this variant¬†is likely to be tolerated. In summary, the available evidence is currently insufficient to determine the role of this variant in disease. Therefore, it has been classified as a Variant of Uncertain Significance.

NM_152730.6(TBC1D32):c.3131T>C (p.Phe1044Ser)

Gene: TBC1D32 (TBC1 domain family member 32; minus strand). Cytogenetic location: 6q22.31.
Variant type: single nucleotide variant.
Coding change: c.3131T>C on transcript NM_152730.6 (MANE Select); coding-DNA position 3131, T replaced by C.
Protein change: p.Phe1044Ser; replaces phenylalanine 1044 with serine.
Molecular consequence: missense variant. On other transcripts: non-coding transcript variant (1).
Genome position (GRCh38, 1-based): chr6:121,113,100, A>G on the plus strand (T>C on the coding strand, the complement: TBC1D32 is on the minus strand). VCF-style: chr6-121113100-A-G. GRCh37 (hg19) VCF-style: chr6-121434246-A-G.
Other names: c.3254T>C, p.Phe1085Ser (NM_001367759.1, NM_001367760.1); c.3131T>C (NM_152730.4); short protein forms F1044S, F1085S.
Identifiers: ClinVar variation 2178169 (VCV002178169.3), dbSNP rs780229548, ClinGen allele CA3980521.